The following is an entry in ClinVar:

ClinVar aggregate classification (germline): Uncertain significance (1 of 4 stars; one submission).

Allele frequency attached by ClinVar (database versions not stated): gnomAD exomes 0.00002 and 0.00003; ExAC 0.00003.

Submission:

Labcorp Genetics (formerly Invitae), Labcorp
Classification: Uncertain significance. Last evaluated: 2026-01-07. Review status: criteria provided, single submitter. Criteria: Invitae Variant Classification Sherloc (09022015). Collection method: clinical testing. Allele origin: germline.
Comment: This sequence change replaces threonine, which is neutral and polar, with alanine, which is neutral and non-polar, at codon 858 of the SON protein (p.Thr858Ala). This variant is present in population databases (rs748127868, gnomAD 0.01%). This variant has not been reported in the literature in individuals affected with SON-related conditions. ClinVar contains an entry for this variant (Variation ID: 1406735). An algorithm developed to predict the effect of missense changes on protein structure and function (PolyPhen-2) suggests that this variant is likely to be disruptive. In summary, the available evidence is currently insufficient to determine the role of this variant in disease. Therefore, it has been classified as a Variant of Uncertain Significance.

NM_138927.4(SON):c.2572A>G (p.Thr858Ala)

Gene: SON (SON DNA and RNA binding protein; plus strand). Cytogenetic location: 21q22.11.
Variant type: single nucleotide variant.
Coding change: c.2572A>G on transcript NM_138927.4 (MANE Select); coding-DNA position 2572, A replaced by G.
Protein change: p.Thr858Ala; replaces threonine 858 with alanine.
Molecular consequence: missense variant. On other transcripts: non-coding transcript variant (1), intron variant (1).
Genome position (GRCh38, 1-based): chr21:33,551,803, A>G. VCF-style: chr21-33551803-A-G. GRCh37 (hg19) VCF-style: chr21-34924109-A-G.
Other names: c.2572A>G, p.Thr858Ala (NM_001291411.2, NM_032195.3); c.245-5353A>G (NM_001291412.3); short protein forms T858A.
Identifiers: ClinVar variation 1406735 (VCV001406735.8), dbSNP rs748127868, ClinGen allele CA10009126.